The following is an entry in ClinVar:

ClinVar aggregate classification (germline): Benign. Review status: criteria provided, multiple submitters, no conflicts (2 of 4 stars). 6 submissions from 6 submitters: Benign (5). 1 of the submissions does not count toward it. Last evaluated 2026-02-03.

Conditions:
Generalized epilepsy-paroxysmal dyskinesia syndrome (PNKD3). Also called: Generalized epilepsy and paroxysmal dyskinesia; Paroxysmal nonkinesigenic dyskinesia, 3, with or without generalized epilepsy. Identifiers: Orphanet 79137, MedGen C5574945, MONDO:0012276, OMIM 609446.

Allele frequency attached by ClinVar (database versions not stated): gnomAD exomes 0.00179 and 0.00444; ExAC 0.00541; gnomAD 0.01731 and 0.01852; ESP Exome Variant Server 0.01868; TOPMed 0.02006; 1000 Genomes Project 0.02037; 1000 Genomes Project 30x 0.02249.
gnomAD v4.1: 5,390 of 1,612,106 alleles (0.33%); highest among the groups gnomAD compares: African/African-American, 6.1%; 165 homozygotes.

Submissions (6):

Labcorp Genetics (formerly Invitae), Labcorp
Classification: Benign for Generalized epilepsy-paroxysmal dyskinesia syndrome. Last evaluated: 2026-02-03. Review status: criteria provided, single submitter. Criteria: Invitae Variant Classification Sherloc (09022015). Collection method: clinical testing. Allele origin: germline.

Mayo Clinic Laboratories, Mayo Clinic
Classification: Benign. Last evaluated: 2022-09-05. Review status: criteria provided, single submitter. Criteria: ACMG Guidelines, 2015. Collection method: clinical testing. Allele origin: germline. Observed: 3 variant alleles.

GeneDx
Classification: Benign. Last evaluated: 2018-07-17. Review status: criteria provided, single submitter. Criteria: GeneDx Variant Classification Process June 2021. Collection method: clinical testing. Allele origin: germline. Affected: yes.

Illumina Laboratory Services, Illumina
Classification: Benign for Generalized epilepsy-paroxysmal dyskinesia syndrome. Last evaluated: 2018-01-13. Review status: criteria provided, single submitter. Criteria: ICSL Variant Classification Criteria 13 December 2019. Collection method: clinical testing. Allele origin: germline.
Comment: This variant was observed in the ICSL laboratory as part of a predisposition screen in an ostensibly healthy population. It had not been previously curated by ICSL or reported in the Human Gene Mutation Database (HGMD: prior to June 1st, 2018), and was therefore a candidate for classification through an automated scoring system. Utilizing variant allele frequency, disease prevalence and penetrance estimates, and inheritance mode, an automated score was calculated to assess if this variant is too frequent to cause the disease. Based on the score and internal cut-off values, a variant classified as benign is not then subjected to further curation. The score for this variant resulted in a classification of benign for this disease.

Breakthrough Genomics
Classification: Benign. Review status: criteria provided, single submitter. Criteria: ACMG Guidelines, 2015. Collection method: not provided. Allele origin: germline. Inheritance: Autosomal recessive inheritance. Affected: yes.

Genetic Services Laboratory, University of Chicago
Classification: Likely benign for AllHighlyPenetrant. Review status: no assertion criteria provided. Collection method: clinical testing. Allele origin: germline. Inheritance: Autosomal dominant inheritance. Not counted in ClinVar's aggregate classification.
Comment: Likely benign based on allele frequency in 1000 Genomes Project or ESP global frequency and its presence in a patient with a rare or unrelated disease phenotype. NOT Sanger confirmed.

NM_001161352.2(KCNMA1):c.1578G>T (p.Leu526=)

Gene: KCNMA1 (potassium calcium-activated channel subfamily M alpha 1; minus strand). Cytogenetic location: 10q22.3.
Variant type: single nucleotide variant.
Coding change: c.1578G>T on transcript NM_001161352.2 (MANE Select); coding-DNA position 1578, G replaced by T.
Protein change: p.Leu526=; no amino-acid change (leucine 526 retained).
Molecular consequence: synonymous variant.
Genome position (GRCh38, 1-based): chr10:77,079,496, C>A on the plus strand (G>T on the coding strand, the complement: KCNMA1 is on the minus strand). VCF-style: chr10-77079496-C-A. GRCh37 (hg19) VCF-style: chr10-78839254-C-A.
Other names: p.Leu526=; c.1578G>T, p.Leu526= (NM_001014797.3, NM_001161353.2, NM_001271519.2 and 7 more transcripts); c.1416G>T, p.Leu472= (NM_001271518.2); c.1038G>T, p.Leu346= (NM_001322838.2).
Identifiers: ClinVar variation 129319 (VCV000129319.23), dbSNP rs74140280, ClinGen allele CA153266.